The following is an entry in ClinVar:

ClinVar aggregate classification (germline): Uncertain significance (1 of 4 stars; one submission).

Conditions:
Hereditary cancer-predisposing syndrome. Also called: Hereditary Cancer Syndrome; Tumor predisposition; Hereditary neoplastic syndrome; Neoplastic Syndromes, Hereditary. Identifiers: Orphanet 140162, MedGen C0027672, MeSH D009386, MONDO:0015356.
Cardiovascular phenotype. Identifiers: MedGen CN230736.

Submission:

Ambry Genetics
Classification: Uncertain significance for Cardiovascular phenotype; Hereditary cancer-predisposing syndrome. Last evaluated: 2024-10-29. Review status: criteria provided, single submitter. Criteria: Ambry Variant Classification Scheme 2023. Collection method: clinical testing. Allele origin: germline.
Comment: The p.P98A variant (also known as c.292C>G), located in coding exon 4 of the NF1 gene, results from a C to G substitution at nucleotide position 292. The proline at codon 98 is replaced by alanine, an amino acid with highly similar properties. This amino acid position is conserved. In addition, the in silico prediction for this alteration is inconclusive. Based on the available evidence, the clinical significance of this variant remains unclear.

NM_001042492.3(NF1):c.292C>G (p.Pro98Ala)

Gene: NF1 (neurofibromin 1; plus strand). Cytogenetic location: 17q11.2.
Variant type: single nucleotide variant.
Coding change: c.292C>G on transcript NM_001042492.3 (MANE Select); coding-DNA position 292, C replaced by G.
Protein change: p.Pro98Ala; replaces proline 98 with alanine.
Molecular consequence: missense variant.
Genome position (GRCh38, 1-based): chr17:31,163,189, C>G. VCF-style: chr17-31163189-C-G. GRCh37 (hg19) VCF-style: chr17-29490207-C-G.
Other names: c.292C>G, p.Pro98Ala (NM_000267.4, NM_001128147.3); short protein forms P98A.
Identifiers: ClinVar variation 3404887 (VCV003404887.1).